The following is an entry in ClinVar:

ClinVar aggregate classification (germline): Benign/Likely benign. Review status: criteria provided, multiple submitters, no conflicts (2 of 4 stars). 8 submissions from 8 submitters: Benign (1); Likely benign (5). 2 of the submissions do not count toward it. Last evaluated 2026-02-02.

Conditions:
NAGLU-related disorder. Also called: NAGLU-related condition.
Mucopolysaccharidosis, MPS-III-B (MPS3B). Also called: Mucopolysaccharidosis type IIIB (Sanfilippo B); MPS IIIB (Sanfilippo Syndrome Type B); N-ACETYL-ALPHA-D-GLUCOSAMINIDASE DEFICIENCY; NAGLU DEFICIENCY; SANFILIPPO SYNDROME B; MUCOPOLYSACCHARIDOSIS, TYPE IIIB. Identifiers: Orphanet 79270, MedGen C0086648, MONDO:0009656, OMIM 252920.
Charcot-Marie-Tooth disease axonal type 2V. Also called: CHARCOT-MARIE-TOOTH NEUROPATHY, TYPE 2V; CHARCOT-MARIE-TOOTH DISEASE, AXONAL, AUTOSOMAL DOMINANT, TYPE 2V. Identifiers: Orphanet 447964, MedGen C5569050, MONDO:0014665, OMIM 616491.

Allele frequency attached by ClinVar (database versions not stated): ExAC 0.00133; 1000 Genomes Project 0.00419; 1000 Genomes Project 30x 0.00422; gnomAD 0.00435 and 0.00469; TOPMed 0.00513; ESP Exome Variant Server 0.00515.
gnomAD v4.1: 1,246 of 1,614,054 alleles (0.077%); highest among the groups gnomAD compares: African/African-American, 1.4%; 9 homozygotes.

Submissions (8):

Labcorp Genetics (formerly Invitae), Labcorp
Classification: Benign for Charcot-Marie-Tooth disease axonal type 2V; Mucopolysaccharidosis, MPS-III-B. Last evaluated: 2026-02-02. Review status: criteria provided, single submitter. Criteria: Invitae Variant Classification Sherloc (09022015). Collection method: clinical testing. Allele origin: germline.

Mayo Clinic Laboratories, Mayo Clinic
Classification: Likely benign. Last evaluated: 2024-10-31. Review status: criteria provided, single submitter. Criteria: ACMG Guidelines, 2015. Collection method: clinical testing. Allele origin: germline. Observed: 6 variant alleles.
Comment: BS1, BP4, BP7

CeGaT Center for Human Genetics Tuebingen
Classification: Likely benign. Last evaluated: 2024-10-01. Review status: criteria provided, single submitter. Criteria: CeGaT Center For Human Genetics Tuebingen Variant Classification Criteria Version 2. Collection method: clinical testing. Allele origin: germline. Affected: yes. Observed: 2 variant alleles.
Comment: NAGLU: BP4, BP7, BS1

Blueprint Genetics
Classification: Likely benign. Last evaluated: 2024-09-03. Review status: criteria provided, single submitter. Criteria: ACMG Guidelines, 2015. Collection method: clinical testing. Allele origin: germline.

GeneDx
Classification: Likely benign. Last evaluated: 2021-02-25. Review status: criteria provided, single submitter. Criteria: GeneDx Variant Classification Process June 2021. Collection method: clinical testing. Allele origin: germline. Affected: yes.

Illumina Laboratory Services, Illumina
Classification: Likely benign for Mucopolysaccharidosis, MPS-III-B. Last evaluated: 2018-01-13. Review status: criteria provided, single submitter. Criteria: ICSL Variant Classification Criteria 13 December 2019. Collection method: clinical testing. Allele origin: germline.
Comment: This variant was observed in the ICSL laboratory as part of a predisposition screen in an ostensibly healthy population. It had not been previously curated by ICSL or reported in the Human Gene Mutation Database (HGMD: prior to June 1st, 2018), and was therefore a candidate for classification through an automated scoring system. Utilizing variant allele frequency, disease prevalence and penetrance estimates, and inheritance mode, an automated score was calculated to assess if this variant is too frequent to cause the disease. Based on the score and internal cut-off values, a variant classified as likely benign is not then subjected to further curation. The score for this variant resulted in a classification of likely benign for this disease.

PreventionGenetics, part of Exact Sciences
Classification: Benign for NAGLU-related condition. Last evaluated: 2024-03-14. Review status: no assertion criteria provided. Collection method: clinical testing. Allele origin: germline. Not counted in ClinVar's aggregate classification.
Comment: This variant is classified as benign based on ACMG/AMP sequence variant interpretation guidelines (Richards et al. 2015 PMID: 25741868, with internal and published modifications).

Natera, Inc.
Classification: Benign for Mucopolysaccharidosis type IIIB. Last evaluated: 2019-11-11. Review status: no assertion criteria provided. Collection method: clinical testing. Allele origin: germline. Not counted in ClinVar's aggregate classification.

NM_000263.4(NAGLU):c.675G>T (p.Leu225=)

Gene: NAGLU (N-acetyl-alpha-glucosaminidase; plus strand). Cytogenetic location: 17q21.2.
Variant type: single nucleotide variant.
Coding change: c.675G>T on transcript NM_000263.4 (MANE Select); coding-DNA position 675, G replaced by T.
Protein change: p.Leu225=; no amino-acid change (leucine 225 retained).
Molecular consequence: synonymous variant.
Genome position (GRCh38, 1-based): chr17:42,538,482, G>T. VCF-style: chr17-42538482-G-T. GRCh37 (hg19) VCF-style: chr17-40690500-G-T.
Other names: p.Leu225=.
Identifiers: ClinVar variation 323295 (VCV000323295.45), dbSNP rs115680529, ClinGen allele CA8576813.